The following is an entry in ClinVar:

ClinVar aggregate classification (germline): Pathogenic. Review status: criteria provided, multiple submitters, no conflicts (2 of 4 stars). 2 submissions from 2 submitters: Pathogenic (2). Last evaluated 2022-10-13.

Conditions:
Aortic valve disease 2 (AOVD2). Identifiers: MedGen C3542024, MONDO:0013902, OMIM 614823.

Submissions (2):

Labcorp Genetics (formerly Invitae), Labcorp
Classification: Pathogenic for Aortic valve disease 2. Last evaluated: 2022-10-13. Review status: criteria provided, single submitter. Criteria: Invitae Variant Classification Sherloc (09022015). Collection method: clinical testing. Allele origin: germline.
Comment: For these reasons, this variant has been classified as Pathogenic. ClinVar contains an entry for this variant (Variation ID: 213830). This variant has not been reported in the literature in individuals affected with TBX5-related conditions. This variant is not present in population databases (gnomAD no frequency). This sequence change creates a premature translational stop signal (p.His204Glnfs*5) in the TBX5 gene. It is expected to result in an absent or disrupted protein product. Loss-of-function variants in TBX5 are known to be pathogenic (PMID: 16183809, 16917909).

GeneDx
Classification: Pathogenic. Last evaluated: 2015-06-05. Review status: criteria provided, single submitter. Criteria: GeneDx Variant Classification (06012015). Collection method: clinical testing. Allele origin: germline. Affected: yes.
Comment: The c.611dupA mutation in the TBX5 gene causes a frameshift starting with codon Histidine 204, changes this amino acid to a Glutamine residue and creates a premature Stop codon at position 5 of the new reading frame, denoted p.His204GlnfsX5. This mutation is predicted to cause loss of normal protein function either through protein truncation or nonsense-mediated mRNA decay. The c.611dupA mutation was not observed in approximately 6,000 individuals of European and African American ancestry in the NHLBI Exome Sequencing Project, indicating it is not a common benign variant in these populations. Frameshifts starting with upstream and downstream residues (c.593dupA, c.641_642delTG) have been reported in association with Holt-Oram syndrome. Although this mutation has not been previously reported to our knowledge, its presence is consistent with a diagnosis of Holt-Oram syndrome. This variant was found in TBX5

Literature cited by the submitters: PubMed 16183809 (cited by Labcorp Genetics (formerly Invitae), Labcorp); PubMed 16917909 (cited by Labcorp Genetics (formerly Invitae), Labcorp).

NM_181486.4(TBX5):c.611dup (p.His204fs)

Gene: TBX5 (T-box transcription factor 5; minus strand). Cytogenetic location: 12q24.21.
Variant type: Duplication.
Coding change: c.611dup on transcript NM_181486.4 (MANE Select); coding-DNA position 611, one base duplicated (A; older notation c.611dupA).
Protein change: p.His204fs; shifts the reading frame from histidine 204.
Molecular consequence: frameshift variant.
Genome position (GRCh38, 1-based): chr12:114,394,793, T duplicated on the plus strand (A on the coding strand, the reverse complement: TBX5 is on the minus strand). VCF-style (leftmost placement, unchanged base first): chr12-114394792-G-GT. GRCh37 (hg19) VCF-style: chr12-114832597-G-GT.
Other names: c.611dup, p.His204fs (NM_000192.3); c.461dup, p.His154fs (NM_080717.4); c.611dupA (NM_000192.3); short protein forms H204fs, H154fs.
Identifiers: ClinVar variation 213830 (VCV000213830.6), dbSNP rs863223786, ClinGen allele CA322053.